The following is an entry in ClinVar:

ClinVar aggregate classification (germline): Likely pathogenic (1 of 4 stars; one submission).

Conditions:
Developmental and epileptic encephalopathy, 42 (DEE42A). Also called: Epileptic encephalopathy, early infantile, 42; DEVELOPMENTAL AND EPILEPTIC ENCEPHALOPATHY 42A; EPILEPTIC ENCEPHALOPATHY, EARLY INFANTILE, 42A. Identifiers: MedGen C4310716, MONDO:0014917, OMIM 617106.

Submission:

Greenwood Genetic Center Diagnostic Laboratories, Greenwood Genetic Center
Classification: Likely pathogenic for Developmental and epileptic encephalopathy, 42. Last evaluated: 2024-07-30. Review status: criteria provided, single submitter. Criteria: ACMG Guidelines, 2015. Collection method: clinical testing. Allele origin: germline. Affected: yes.
Comment: PVS1, PM2

NM_001127222.2(CACNA1A):c.2747G>A (p.Trp916Ter)

Gene: CACNA1A (calcium voltage-gated channel subunit alpha1 A; minus strand). Cytogenetic location: 19p13.13.
Variant type: single nucleotide variant.
Coding change: c.2747G>A on transcript NM_001127222.2 (MANE Select); coding-DNA position 2747, G replaced by A.
Protein change: p.Trp916Ter; replaces tryptophan 916 with a stop codon.
Molecular consequence: nonsense.
Genome position (GRCh38, 1-based): chr19:13,298,886, C>T on the plus strand (G>A on the coding strand, the complement: CACNA1A is on the minus strand). VCF-style: chr19-13298886-C-T. GRCh37 (hg19) VCF-style: chr19-13409700-C-T.
Other names: c.2759G>A, p.Trp920Ter (NM_000068.4, NM_023035.3); c.2750G>A, p.Trp917Ter (NM_001127221.2, NM_001174080.2); short protein forms W916*, W917*, W920*.
Identifiers: ClinVar variation 3765879 (VCV003765879.1).